The following is an entry in ClinVar:

NM_001257096.2(PAX1):c.103T>C (p.Cys35Arg)

Gene: PAX1 (paired box 1; plus strand). Cytogenetic location: 20p11.22.
Variant type: single nucleotide variant.
Coding change: c.103T>C on transcript NM_001257096.2 (MANE Select); coding-DNA position 103, T replaced by C.
Protein change: p.Cys35Arg; replaces cysteine 35 with arginine.
Molecular consequence: missense variant.
Genome position (GRCh38, 1-based): chr20:21,705,815, T>C. VCF-style: chr20-21705815-T-C. GRCh37 (hg19) VCF-style: chr20-21686453-T-C.
Other names: c.103T>C, p.Cys35Arg (NM_006192.5); short protein forms C35R.
Identifiers: ClinVar variation 3613635 (VCV003613635.1).

ClinVar aggregate classification (germline): Uncertain significance (1 of 4 stars; one submission).

gnomAD v4.1: 22 of 1,306,026 alleles (0.0017%); highest among the groups gnomAD compares: Non-Finnish European, 0.0019%; no homozygotes.

Submission:

Labcorp Genetics (formerly Invitae), Labcorp
Classification: Uncertain significance. Last evaluated: 2024-09-15. Review status: criteria provided, single submitter. Criteria: Invitae Variant Classification Sherloc (09022015). Collection method: clinical testing. Allele origin: germline.
Comment: This sequence change replaces cysteine, which is neutral and slightly polar, with arginine, which is basic and polar, at codon 35 of the PAX1 protein (p.Cys35Arg). This variant is not present in population databases (gnomAD no frequency). This variant has not been reported in the literature in individuals affected with PAX1-related conditions. An algorithm developed to predict the effect of missense changes on protein structure and function outputs the following: PolyPhen-2: "Benign". The arginine amino acid residue is found in multiple mammalian species, which suggests that this missense change does not adversely affect protein function. In summary, the available evidence is currently insufficient to determine the role of this variant in disease. Therefore, it has been classified as a Variant of Uncertain Significance.